The following is an entry in ClinVar:

ClinVar aggregate classification (germline): Pathogenic (1 of 4 stars; one submission).

Conditions:
Multiple congenital exostosis (EXT). Also called: Multiple osteochondromas; MULTIPLE CARTILAGINOUS EXOSTOSES; Hereditary multiple exostoses; Hereditary multiple exostosis; Hereditary multiple osteochondromas; Multiple exostoses. Identifiers: Orphanet 321, MedGen C0015306, MONDO:0005508, HP:0002762.

Submission:

Labcorp Genetics (formerly Invitae), Labcorp
Classification: Pathogenic for Multiple congenital exostosis. Last evaluated: 2021-11-22. Review status: criteria provided, single submitter. Criteria: Invitae Variant Classification Sherloc (09022015). Collection method: clinical testing. Allele origin: germline.
Comment: This variant is not present in population databases (gnomAD no frequency). This sequence change creates a premature translational stop signal (p.Met215Serfs*6) in the EXT1 gene. It is expected to result in an absent or disrupted protein product. Loss-of-function variants in EXT1 are known to be pathogenic (PMID: 10679937, 11391482, 19810120). This variant has not been reported in the literature in individuals affected with EXT1-related conditions. For these reasons, this variant has been classified as Pathogenic.

Literature cited by the submitters: PubMed 10679937; PubMed 11391482; PubMed 19810120.

NM_000127.3(EXT1):c.644_654del (p.Met215fs)

Gene: EXT1 (exostosin glycosyltransferase 1; minus strand). Cytogenetic location: 8q24.11.
Variant type: Deletion.
Coding change: c.644_654del on transcript NM_000127.3 (MANE Select); coding-DNA positions 644 to 654, 11 bases deleted (TGCTGGCCAAA).
Protein change: p.Met215fs; shifts the reading frame from methionine 215.
Molecular consequence: frameshift variant.
Genome position (GRCh38, 1-based): chr8:118,110,393-118,110,403, TTTGGCCAGCA deleted on the plus strand (TGCTGGCCAAA on the coding strand, the reverse complement: EXT1 is on the minus strand); deleting any 11 consecutive bases within chr8:118,110,393-118,110,404 gives the same sequence; the c. name uses the placement nearest the transcript's 3' end. VCF-style (leftmost placement, unchanged base first): chr8-118110392-CTTTGGCCAGCA-C. GRCh37 (hg19) VCF-style: chr8-119122631-CTTTGGCCAGCA-C.
Other names: short protein forms M215fs.
Identifiers: ClinVar variation 1459431 (VCV001459431.6), dbSNP rs2130042421, ClinGen allele CA2573142829.
Genomic context (GRCh38, chr8:118,110,392, plus strand): 5'-TAGAAAAGAGGGGAATAGAAACATCAAAGTTGGGTCGGAAGTTTTCAGTACTGATGCTGG[CTTTGGCCAGCA>C]TCGCCTGGCCGATGTCAAACCCCACGTCCTCGGTGTAGTCAGGCCAAGTGCCGGAATATA-3'